The following is an entry in ClinVar:

NM_178857.6(RP1L1):c.3286C>T (p.Arg1096Trp)

Gene: RP1L1 (RP1 like 1). Cytogenetic location: 8p23.1.
Variant type: single nucleotide variant.
Coding change: c.3286C>T on transcript NM_178857.6 (MANE Select); coding-DNA position 3286, C replaced by T.
Protein change: p.Arg1096Trp; replaces arginine 1096 with tryptophan.
Molecular consequence: missense variant.
Genome position (GRCh38, 1-based): chr8:10,610,812, G>A on the plus strand (C>T on the coding strand, the complement: RP1L1 is on the minus strand). VCF-style: chr8-10610812-G-A. GRCh37 (hg19) VCF-style: chr8-10468322-G-A.
Other names: short protein forms R1096W.
Identifiers: ClinVar variation 911459 (VCV000911459.9), dbSNP rs375119596, ClinGen allele CA4624535.
Genomic context (GRCh38, chr8:10,610,812, plus strand): 5'-CGGCTGAGCAGCTGAGCCTCCTGGCCATGGGCCTAGACACTTCGGGCACGCTGCTGGGCC[G>A]GCCCTGCTTGGAGCCCATCAGCGCCCTCATGATCTGCGTGGAGGCAGACACCCGGCCAGG-3'
Protein context (NP_849188.4, residues 1086-1106): MRALMGSKQG[Arg1096Trp]PSSVPEVSRP

ClinVar aggregate classification (germline): Conflicting classifications of pathogenicity. Review status: criteria provided, conflicting classifications (1 of 4 stars). 4 submissions from 4 submitters: Uncertain significance (3); Likely benign (1). Last evaluated 2025-10-02.

Conditions:
Inborn genetic diseases. Identifiers: MedGen C0950123, MeSH D030342.
RP1L1-related disorder. Also called: RP1L1-related condition.
Occult macular dystrophy (OCMD). Also called: OCCULT MACULAR DYSTROPHY, SUSCEPTIBILITY TO; OMD. Identifiers: Orphanet 247834, MedGen C3150833, MONDO:0013316, OMIM 613587, HP:0030636.

Allele frequency attached by ClinVar (database versions not stated): ExAC 0.00003; gnomAD exomes 0.00004 and 0.00012; gnomAD 0.00007 and 0.00008; ESP Exome Variant Server 0.00008; TOPMed 0.00009.
gnomAD v4.1: 182 of 1,608,638 alleles (0.011%); highest among the groups gnomAD compares: Non-Finnish European, 0.015%; no homozygotes.

Submissions (4):

Ambry Genetics
Classification: Uncertain significance for Inborn genetic diseases. Last evaluated: 2025-10-02. Review status: criteria provided, single submitter. Criteria: Ambry Variant Classification Scheme 2023. Collection method: clinical testing. Allele origin: germline.

PreventionGenetics, part of Exact Sciences
Classification: Uncertain significance for RP1L1-related condition. Last evaluated: 2025-09-09. Review status: criteria provided, single submitter. Criteria: ACMG Guidelines, 2015. Collection method: clinical testing. Allele origin: germline.
Comment: The RP1L1 c.3286C>T variant is predicted to result in the amino acid substitution p.Arg1096Trp. To our knowledge, this variant has not been reported in the literature. This variant is reported in 0.010% of alleles in individuals of European (Non-Finnish) descent in gnomAD. At this time, the clinical significance of this variant is uncertain due to the absence of conclusive functional and genetic evidence.

Blueprint Genetics
Classification: Uncertain significance. Last evaluated: 2023-05-09. Review status: criteria provided, single submitter. Criteria: ACMG Guidelines, 2015. Collection method: clinical testing. Allele origin: germline.

Illumina Laboratory Services, Illumina
Classification: Likely benign for Occult macular dystrophy. Last evaluated: 2018-01-13. Review status: criteria provided, single submitter. Criteria: ICSL Variant Classification Criteria 13 December 2019. Collection method: clinical testing. Allele origin: germline.
Comment: This variant was observed in the ICSL laboratory as part of a predisposition screen in an ostensibly healthy population. It had not been previously curated by ICSL or reported in the Human Gene Mutation Database (HGMD: prior to June 1st, 2018), and was therefore a candidate for classification through an automated scoring system. Utilizing variant allele frequency, disease prevalence and penetrance estimates, and inheritance mode, an automated score was calculated to assess if this variant is too frequent to cause the disease. Based on the score and internal cut-off values, a variant classified as likely benign is not then subjected to further curation. The score for this variant resulted in a classification of likely benign for this disease.